The following is an entry in ClinVar:

NC_000023.10:g.(?_103031924)_(103044347_?)dup

Gene: PLP1 (proteolipid protein 1; plus strand). Cytogenetic location: Xq22.2.
Variant type: Duplication.
Identifiers: ClinVar variation 3244238 (VCV003244238.1).

ClinVar aggregate classification (germline): Uncertain significance (1 of 4 stars; one submission).

Conditions:
Hereditary spastic paraplegia 2 (SPG2). Also called: SPASTIC PARAPLEGIA 2, X-LINKED; Spastic Paraplegia 2 (SPG2). Identifiers: Orphanet 99015, MedGen C0751604, MONDO:0010733, OMIM 312920.

Submission:

Labcorp Genetics (formerly Invitae), Labcorp
Classification: Uncertain significance for Hereditary spastic paraplegia 2. Last evaluated: 2023-03-27. Review status: criteria provided, single submitter. Criteria: Invitae Variant Classification Sherloc (09022015). Collection method: clinical testing. Allele origin: unknown.
Comment: In summary, the available evidence is currently insufficient to determine the role of this variant in disease. Therefore, it has been classified as a Variant of Uncertain Significance. Experimental studies and prediction algorithms are not available or were not evaluated, and the functional significance of this variant is currently unknown. This variant has not been reported in the literature in individuals affected with PLP1-related conditions. This variant results in a copy number gain of the genomic region encompassing exon(s) 1-6 of the PLP1 gene. This region includes the initiator codon of the gene. This copy number gain extends beyond the assayed region for this gene and therefore may encompass additional genes. As the precise location of this event is unknown, it may be in tandem or it may be located elsewhere in the genome.